The following is an entry in ClinVar:

NM_006348.5(COG5):c.59C>T (p.Ala20Val)

Gene: COG5 (component of oligomeric golgi complex 5; minus strand). Cytogenetic location: 7q22.3.
Variant type: single nucleotide variant.
Coding change: c.59C>T on transcript NM_006348.5 (MANE Select); coding-DNA position 59, C replaced by T.
Protein change: p.Ala20Val; replaces alanine 20 with valine.
Molecular consequence: missense variant.
Genome position (GRCh38, 1-based): chr7:107,563,838, G>A on the plus strand (C>T on the coding strand, the complement: COG5 is on the minus strand). VCF-style: chr7-107563838-G-A. GRCh37 (hg19) VCF-style: chr7-107204283-G-A.
Other names: c.59C>T, p.Ala20Val (NM_001161520.2, NM_001379511.1, NM_001379512.1 and 5 more transcripts); c.152C>T (NM_006348.3); short protein forms A20V.
Identifiers: ClinVar variation 1413450 (VCV001413450.5), dbSNP rs368239973, ClinGen allele CA4431569.

ClinVar aggregate classification (germline): Uncertain significance. Review status: criteria provided, multiple submitters, no conflicts (2 of 4 stars). 3 submissions from 3 submitters: Uncertain significance (3). Last evaluated 2025-05-01.

Conditions:
Inborn genetic diseases. Identifiers: MedGen C0950123, MeSH D030342.
COG5-congenital disorder of glycosylation. Also called: CDG IIi; CONGENITAL DISORDER OF GLYCOSYLATION, TYPE IIi; COG5-CDG. Identifiers: Orphanet 263487, MedGen C3150876, MONDO:0013325, OMIM 613612.

Allele frequency attached by ClinVar (database versions not stated): gnomAD 0.00001 and 0.00002; gnomAD exomes 0.00002 and 0.00003; TOPMed 0.00002; ExAC 0.00003; ESP Exome Variant Server 0.00008.
gnomAD v4.1: 35 of 1,613,656 alleles (0.0022%); highest among the groups gnomAD compares: Admixed American, 0.0033%; no homozygotes.

Submissions (3):

Ambry Genetics
Classification: Uncertain significance for Inborn genetic diseases. Last evaluated: 2025-05-01. Review status: criteria provided, single submitter. Criteria: Ambry Variant Classification Scheme 2023. Collection method: clinical testing. Allele origin: germline.

Labcorp Genetics (formerly Invitae), Labcorp
Classification: Uncertain significance for COG5-congenital disorder of glycosylation. Last evaluated: 2022-07-08. Review status: criteria provided, single submitter. Criteria: Invitae Variant Classification Sherloc (09022015). Collection method: clinical testing. Allele origin: germline.
Comment: This sequence change replaces alanine, which is neutral and non-polar, with valine, which is neutral and non-polar, at codon 51 of the COG5 protein (p.Ala51Val). This variant is present in population databases (rs368239973, gnomAD 0.006%). This variant has not been reported in the literature in individuals affected with COG5-related conditions. ClinVar contains an entry for this variant (Variation ID: 1413450). Algorithms developed to predict the effect of missense changes on protein structure and function output the following: SIFT: "Tolerated"; PolyPhen-2: "Benign"; Align-GVGD: "Class C0". The valine amino acid residue is found in multiple mammalian species, which suggests that this missense change does not adversely affect protein function. In summary, the available evidence is currently insufficient to determine the role of this variant in disease. Therefore, it has been classified as a Variant of Uncertain Significance.

Fulgent Genetics
Classification: Uncertain significance for COG5-congenital disorder of glycosylation. Last evaluated: 2021-09-29. Review status: criteria provided, single submitter. Criteria: ACMG Guidelines, 2015. Collection method: clinical testing. Allele origin: unknown.